The following is an entry in ClinVar:

NM_153676.4(USH1C):c.135C>A (p.Asp45Glu)

Gene: USH1C (USH1 protein network component harmonin; minus strand). Cytogenetic location: 11p15.1.
Variant type: single nucleotide variant.
Coding change: c.135C>A on transcript NM_153676.4 (MANE Select); coding-DNA position 135, C replaced by A.
Protein change: p.Asp45Glu; replaces aspartic acid 45 with glutamic acid.
Molecular consequence: missense variant. On other transcripts: non-coding transcript variant (1).
Genome position (GRCh38, 1-based): chr11:17,531,512, G>T on the plus strand (C>A on the coding strand, the complement: USH1C is on the minus strand). VCF-style: chr11-17531512-G-T. GRCh37 (hg19) VCF-style: chr11-17553059-G-T.
Other names: c.135C>A, p.Asp45Glu (NM_001297764.2, NM_005709.4); short protein forms D45E.
Identifiers: ClinVar variation 2184340 (VCV002184340.4), dbSNP rs140319839, ClinGen allele CA5905156.

ClinVar aggregate classification (germline): Uncertain significance (1 of 4 stars; one submission).

Allele frequency attached by ClinVar (database versions not stated): gnomAD 0.00001; ESP Exome Variant Server 0.00008.
gnomAD v4.1: 3 of 1,613,606 alleles (0.00019%); highest among the groups gnomAD compares: African/African-American, 0.004%; no homozygotes.

Submission:

Labcorp Genetics (formerly Invitae), Labcorp
Classification: Uncertain significance. Last evaluated: 2022-11-15. Review status: criteria provided, single submitter. Criteria: Invitae Variant Classification Sherloc (09022015). Collection method: clinical testing. Allele origin: germline.
Comment: In summary, the available evidence is currently insufficient to determine the role of this variant in disease. Therefore, it has been classified as a Variant of Uncertain Significance. Algorithms developed to predict the effect of missense changes on protein structure and function (SIFT, PolyPhen-2, Align-GVGD) all suggest that this variant is likely to be tolerated. This variant has not been reported in the literature in individuals affected with USH1C-related conditions. This variant is not present in population databases (gnomAD no frequency). This sequence change replaces aspartic acid, which is acidic and polar, with glutamic acid, which is acidic and polar, at codon 45 of the USH1C protein (p.Asp45Glu).